The following is an entry in ClinVar:

ClinVar aggregate classification (germline): Likely benign (1 of 4 stars; one submission).

Submission:

CeGaT Center for Human Genetics Tuebingen
Classification: Likely benign. Last evaluated: 2024-07-01. Review status: criteria provided, single submitter. Criteria: CeGaT Center For Human Genetics Tuebingen Variant Classification Criteria Version 2. Collection method: clinical testing. Allele origin: germline. Affected: yes. Observed: 1 variant allele.
Comment: SLC9A6: PM2:Supporting, BP4, BP7

NM_001379110.1(SLC9A6):c.321T>C (p.Ile107=)

Gene: SLC9A6 (solute carrier family 9 member A6; plus strand). Cytogenetic location: Xq26.3.
Variant type: single nucleotide variant.
Coding change: c.321T>C on transcript NM_001379110.1 (MANE Select); coding-DNA position 321, T replaced by C.
Protein change: p.Ile107=; no amino-acid change (isoleucine 107 retained).
Molecular consequence: synonymous variant. On other transcripts: intron variant (3).
Genome position (GRCh38, 1-based): chrX:135,994,937, T>C. VCF-style: chrX-135994937-T-C. GRCh37 (hg19) VCF-style: chrX-135077096-T-C.
Other names: c.477T>C, p.Ile159= (NM_001042537.2); c.321T>C, p.Ile107= (NM_001177651.2, NM_001400909.1, NM_001400910.1 and 2 more transcripts); c.429+48T>C (NM_006359.3); c.273+48T>C (NM_001400913.1, NM_001330652.2).
Identifiers: ClinVar variation 3257465 (VCV003257465.17).
Genomic context (GRCh38, chrX:135,994,937, plus strand): 5'-AACTACCTTACTGGTAAATGTTAGTGGAAAATTTTATGAGTATATGCTGAAAGGAGAGAT[T>C]AGTTCACATGAACTCAATAATGTTCAAGATAATGAAATGCTTAGAAAGGTAAGTTCTTAA-3'
Protein context (NP_001366039.1, residues 97-117): KFYEYMLKGE[Ile107=]SSHELNNVQD